The following is an entry in ClinVar:

NM_001367561.1(DOCK7):c.5797G>A (p.Asp1933Asn)

Gene: DOCK7 (dedicator of cytokinesis 7; minus strand). Cytogenetic location: 1p31.3.
Variant type: single nucleotide variant.
Coding change: c.5797G>A on transcript NM_001367561.1 (MANE Select); coding-DNA position 5797, G replaced by A.
Protein change: p.Asp1933Asn; replaces aspartic acid 1933 with asparagine.
Molecular consequence: missense variant.
Genome position (GRCh38, 1-based): chr1:62,475,871, C>T on the plus strand (G>A on the coding strand, the complement: DOCK7 is on the minus strand). VCF-style: chr1-62475871-C-T. GRCh37 (hg19) VCF-style: chr1-62941542-C-T.
Other names: c.5764G>A, p.Asp1922Asn (NM_001271999.2); c.5677G>A, p.Asp1893Asn (NM_001272000.2); c.5671G>A, p.Asp1891Asn (NM_001272001.2); c.5770G>A, p.Asp1924Asn (NM_001330614.2); c.5704G>A, p.Asp1902Asn (NM_033407.4); short protein forms D1933N, D1893N, D1922N, D1891N, D1902N, D1924N.
Identifiers: ClinVar variation 2123530 (VCV002123530.2), dbSNP rs1363874427, ClinGen allele CA340603670.
Genomic context (GRCh38, chr1:62,475,871, plus strand): 5'-CACGGCCATCTAAAGTAAAGGGTGTACAGTACATGAATCGACGAAGATTGTAATTTTTGT[C>T]GAAATAGGTGATTCTGTCCTTCATCTCATATGTGTCAAAGTATGGCTCCACATAGGTAAT-3'
Protein context (NP_001354490.1, residues 1923-1943): YEMKDRITYF[Asp1933Asn]KNYNLRRFMY

ClinVar aggregate classification (germline): Uncertain significance (1 of 4 stars; one submission).

Conditions:
Developmental and epileptic encephalopathy, 23 (DEE23). Also called: Epileptic encephalopathy, early infantile, 23. Identifiers: Orphanet 411986, MedGen C4014492, MONDO:0014371, OMIM 615859.

Allele frequency attached by ClinVar (database versions not stated): gnomAD exomes below 0.00001; TOPMed 0.00001.
gnomAD v4.1: 2 of 1,613,940 alleles (0.00012%); highest among the groups gnomAD compares: Non-Finnish European, 0.00017%; no homozygotes.

Submission:

Labcorp Genetics (formerly Invitae), Labcorp
Classification: Uncertain significance for Developmental and epileptic encephalopathy, 23. Last evaluated: 2022-09-07. Review status: criteria provided, single submitter. Criteria: Invitae Variant Classification Sherloc (09022015). Collection method: clinical testing. Allele origin: germline.
Comment: In summary, the available evidence is currently insufficient to determine the role of this variant in disease. Therefore, it has been classified as a Variant of Uncertain Significance. Algorithms developed to predict the effect of missense changes on protein structure and function are either unavailable or do not agree on the potential impact of this missense change (SIFT: "Tolerated"; PolyPhen-2: "Probably Damaging"; Align-GVGD: "Class C0"). This variant has not been reported in the literature in individuals affected with DOCK7-related conditions. This variant is present in population databases (no rsID available, gnomAD 0.01%). This sequence change replaces aspartic acid, which is acidic and polar, with asparagine, which is neutral and polar, at codon 1922 of the DOCK7 protein (p.Asp1922Asn).